The following is an entry in ClinVar:

ClinVar aggregate classification (germline): Uncertain significance (1 of 4 stars; one submission).

Conditions:
Cardiovascular phenotype. Identifiers: MedGen CN230736.

Submission:

Ambry Genetics
Classification: Uncertain significance for Cardiovascular phenotype. Last evaluated: 2026-02-15. Review status: criteria provided, single submitter. Criteria: Ambry Variant Classification Scheme 2023. Collection method: clinical testing. Allele origin: germline.
Comment: The p.K1794E variant (also known as c.5380A>G), located in coding exon 38 of the ANK2 gene, results from an A to G substitution at nucleotide position 5380. The lysine at codon 1794 is replaced by glutamic acid, an amino acid with similar properties. This amino acid position is conserved. In addition, this alteration is predicted to be tolerated by in silico analysis. Based on the available evidence, the clinical significance of this variant remains unclear.

NM_001148.6(ANK2):c.5380A>G (p.Lys1794Glu)

Genes: ANK2 (ankyrin 2; plus strand), LOC126807136 (MED14-independent group 3 enhancer GRCh37_chr4:114274931-114276130; plus strand). Cytogenetic location: 4q26.
Variant type: single nucleotide variant.
Coding change: c.5380A>G on transcript NM_001148.6 (MANE Select); coding-DNA position 5380, A replaced by G.
Protein change: p.Lys1794Glu; replaces lysine 1794 with glutamic acid.
Molecular consequence: missense variant. On other transcripts: intron variant (68).
Genome position (GRCh38, 1-based): chr4:113,353,998, A>G. VCF-style: chr4-113353998-A-G. GRCh37 (hg19) VCF-style: chr4-114275154-A-G.
Other names: c.5146A>G, p.Lys1716Glu (NM_001386142.1); c.1780A>G, p.Lys594Glu (NM_001386166.1); c.5521A>G, p.Lys1841Glu (NM_001386174.1); c.5497A>G, p.Lys1833Glu (NM_001386175.1); c.4411+3749A>G (NM_001386186.2, NM_001386148.2); c.4213+3749A>G (NM_001354269.3); c.4291+3749A>G (NM_001386187.2); c.4252+3749A>G (NM_001386147.1); and 35 more; short protein forms K1794E, K1841E, K1716E, K1833E, K594E.
Identifiers: ClinVar variation 4824186 (VCV004824186.1).